The following is an entry in ClinVar:

NM_001372076.1(PAX9):c.1007T>C (p.Val336Ala)

Gene: PAX9 (paired box 9; plus strand). Cytogenetic location: 14q13.3.
Variant type: single nucleotide variant.
Coding change: c.1007T>C on transcript NM_001372076.1 (MANE Select); coding-DNA position 1007, T replaced by C.
Protein change: p.Val336Ala; replaces valine 336 with alanine.
Molecular consequence: missense variant.
Genome position (GRCh38, 1-based): chr14:36,676,433, T>C. VCF-style: chr14-36676433-T-C. GRCh37 (hg19) VCF-style: chr14-37145638-T-C.
Other names: c.1007T>C, p.Val336Ala (NM_006194.4); short protein forms V336A.
Identifiers: ClinVar variation 2353429 (VCV002353429.3), dbSNP rs768607356, ClinGen allele CA7159128.

ClinVar aggregate classification (germline): Uncertain significance. Review status: criteria provided, multiple submitters, no conflicts (2 of 4 stars). 2 submissions from 2 submitters: Uncertain significance (2). Last evaluated 2025-05-18.

Conditions:
Hypodontia. Also called: Partial congenital absence of teeth; TOOTH AGENESIS, FAMILIAL; Tooth agenesis, selective. Identifiers: Orphanet 99798, MedGen C0020608, MONDO:0005486, HP:0000668. Disease mechanism: loss of function.
Inborn genetic diseases. Identifiers: MedGen C0950123, MeSH D030342.

Allele frequency attached by ClinVar (database versions not stated): gnomAD 0.00001; gnomAD exomes 0.00001; ExAC 0.00002; TOPMed 0.00002.
gnomAD v4.1: 25 of 1,613,614 alleles (0.0015%); highest among the groups gnomAD compares: Middle Eastern, 0.049%; no homozygotes.

Submissions (2):

Labcorp Genetics (formerly Invitae), Labcorp
Classification: Uncertain significance for Hypodontia. Last evaluated: 2025-05-18. Review status: criteria provided, single submitter. Criteria: Invitae Variant Classification Sherloc (09022015). Collection method: clinical testing. Allele origin: germline.
Comment: This sequence change replaces valine, which is neutral and non-polar, with alanine, which is neutral and non-polar, at codon 336 of the PAX9 protein (p.Val336Ala). This variant is present in population databases (rs768607356, gnomAD 0.003%). This variant has not been reported in the literature in individuals affected with PAX9-related conditions. ClinVar contains an entry for this variant (Variation ID: 2353429). An algorithm developed to predict the effect of missense changes on protein structure and function (PolyPhen-2) suggests that this variant is likely to be disruptive. In summary, the available evidence is currently insufficient to determine the role of this variant in disease. Therefore, it has been classified as a Variant of Uncertain Significance.

Ambry Genetics
Classification: Uncertain significance for Inborn genetic diseases. Last evaluated: 2021-06-23. Review status: criteria provided, single submitter. Criteria: Ambry Variant Classification Scheme 2023. Collection method: clinical testing. Allele origin: germline.